The following is an entry in ClinVar:

ClinVar aggregate classification (germline): Pathogenic. Review status: criteria provided, multiple submitters, no conflicts (2 of 4 stars). 5 submissions from 5 submitters: Pathogenic (4). 1 of the submissions does not count toward it. Last evaluated 2025-11-06.

Conditions:
Intellectual developmental disorder, autosomal dominant 42. Also called: GNB1 Encephalopathy; Intellectual disability, autosomal dominant 42; Global developmental delay-neuro-ophthalmological abnormalities-seizures-intellectual disability syndrome. Identifiers: Orphanet 488613, MedGen C4310774, MONDO:0014855, OMIM 616973.
Inborn genetic diseases. Identifiers: MedGen C0950123, MeSH D030342.

Submissions (5):

Institute of Human Genetics, University of Leipzig Medical Center
Classification: Pathogenic for Intellectual developmental disorder, autosomal dominant 42. Last evaluated: 2025-11-06. Review status: criteria provided, single submitter. Criteria: ACMG Guidelines, 2015. Collection method: clinical testing. Allele origin: unknown. Inheritance: Autosomal dominant inheritance. Affected: yes.
Comment: Criteria applied: PS2,PM2,PM5,PP2,PS4_MOD,PP3

GeneDx
Classification: Pathogenic. Last evaluated: 2025-06-12. Review status: criteria provided, single submitter. Criteria: GeneDx Variant Classification Process June 2021. Collection method: clinical testing. Allele origin: germline. Affected: yes.
Comment: Not observed at significant frequency in large population cohorts (gnomAD); In silico analysis supports that this missense variant has a deleterious effect on protein structure/function; This variant is associated with the following publications: (PMID: 27668284, 28087732, 30194818, 35982159, 33057194)

Labcorp Genetics (formerly Invitae), Labcorp
Classification: Pathogenic. Last evaluated: 2024-10-15. Review status: criteria provided, single submitter. Criteria: Invitae Variant Classification Sherloc (09022015). Collection method: clinical testing. Allele origin: germline.
Comment: This sequence change replaces aspartic acid, which is acidic and polar, with glycine, which is neutral and non-polar, at codon 118 of the GNB1 protein (p.Asp118Gly). This variant is not present in population databases (gnomAD no frequency). This missense change has been observed in individual(s) with an intellectual disability syndrome (PMID: 27668284, 30194818). In at least one individual the variant was observed to be de novo. ClinVar contains an entry for this variant (Variation ID: 521213). Invitae Evidence Modeling of protein sequence and biophysical properties (such as structural, functional, and spatial information, amino acid conservation, physicochemical variation, residue mobility, and thermodynamic stability) indicates that this missense variant is expected to disrupt GNB1 protein function with a positive predictive value of 80%. Experimental studies have shown that this missense change affects GNB1 function (PMID: 28087732). For these reasons, this variant has been classified as Pathogenic.

Ambry Genetics
Classification: Pathogenic for Inborn genetic diseases. Last evaluated: 2016-07-29. Review status: criteria provided, single submitter. Criteria: Ambry exome assertion method (8-5-2015). Collection method: clinical testing. Allele origin: germline. Affected: yes. Observed: 1 variant allele.

GeneReviews
No classification provided. Condition: Intellectual developmental disorder, autosomal dominant 42. Review status: no classification provided. Collection method: literature only. Allele origin: germline. Not counted in ClinVar's aggregate classification.

Literature cited by the submitters: PubMed 27668284 (cited by Labcorp Genetics (formerly Invitae), Labcorp and GeneReviews); PubMed 30194818 (cited by Labcorp Genetics (formerly Invitae), Labcorp and GeneReviews); PubMed 28087732 (cited by Labcorp Genetics (formerly Invitae), Labcorp); PubMed 19344873 (cited by GeneReviews); PubMed 32134617 (cited by GeneReviews).

NM_002074.5(GNB1):c.353A>G (p.Asp118Gly)

Gene: GNB1 (G protein subunit beta 1; minus strand). Cytogenetic location: 1p36.33.
Variant type: single nucleotide variant.
Coding change: c.353A>G on transcript NM_002074.5 (MANE Select); coding-DNA position 353, A replaced by G.
Protein change: p.Asp118Gly; replaces aspartic acid 118 with glycine.
Molecular consequence: missense variant.
Genome position (GRCh38, 1-based): chr1:1,804,496, T>C on the plus strand (A>G on the coding strand, the complement: GNB1 is on the minus strand). VCF-style: chr1-1804496-T-C. GRCh37 (hg19) VCF-style: chr1-1735935-T-C.
Other names: c.53A>G, p.Asp18Gly (NM_001282538.2); c.353A>G, p.Asp118Gly (NM_001282539.2); short protein forms D118G, D18G.
Identifiers: ClinVar variation 521213 (VCV000521213.13), dbSNP rs1553194162, ClinGen allele CA337914777.